The following is an entry in ClinVar:

ClinVar aggregate classification (germline): Likely pathogenic (1 of 4 stars; one submission).

Conditions:
Intellectual developmental disorder, autosomal dominant 39. Also called: Mental retardation, autosomal dominant 39; Intellectual disability, autosomal dominant 39. Identifiers: MedGen C4225296, MONDO:0014678, OMIM 616521.

Submission:

University of Washington Department of Laboratory Medicine, University of Washington
Classification: Likely pathogenic for Intellectual developmental disorder, autosomal dominant 39. Last evaluated: 2023-04-18. Review status: criteria provided, single submitter. Criteria: ACMG Guidelines, 2015. Collection method: clinical testing. Allele origin: de novo. Affected: yes.
Comment: This variant was absent from large population databases, including the Genome Aggregation Database. The MYT1L gene has fewer missense variants in the general population than expected. A low rate of missense variation may suggest that this gene is intolerant to missense variation. In silico tools predict that the p.Gly1030Glu variant is deleterious; however, these predictions have not been tested directly. Using ACMG guidelines, this variant was classified as likely pathogenic for autosomal dominant MYT1L-associated neurodevelopmental disorder (ACMG evidence codes used: PS2, PM2_supporting, PP2, PP3).

NM_001303052.2(MYT1L):c.3089G>A (p.Gly1030Glu)

Gene: MYT1L (myelin transcription factor 1 like; minus strand). Cytogenetic location: 2p25.3.
Variant type: single nucleotide variant.
Coding change: c.3089G>A on transcript NM_001303052.2 (MANE Select); coding-DNA position 3089, G replaced by A.
Protein change: p.Gly1030Glu; replaces glycine 1030 with glutamic acid.
Molecular consequence: missense variant.
Genome position (GRCh38, 1-based): chr2:1,809,159, C>T on the plus strand (G>A on the coding strand, the complement: MYT1L is on the minus strand). VCF-style: chr2-1809159-C-T. GRCh37 (hg19) VCF-style: chr2-1812931-C-T.
Other names: c.3089G>A, p.Gly1030Glu (NM_001329844.2, NM_001329845.1, NM_001329851.3); c.3083G>A, p.Gly1028Glu (NM_001329846.3, NM_001329847.2, NM_001329848.1 and 3 more transcripts); c.3089G>A (NM_001303052.1); short protein forms G1028E, G1030E.
Identifiers: ClinVar variation 3777129 (VCV003777129.1).
Genomic context (GRCh38, chr2:1,809,159, plus strand): 5'-GTCAGCATCTGCTCTCCAGAAAGCTTTGCCTTCTTCATCGCTGACGTGGCTCTCGGGCAT[C>T]CTGACAAGCTGTGGACAAGACACAGGACGGCCATTAGTCAACTGTCTAATGTCCCAGCCC-3'
Protein context (NP_001289981.1, residues 1020-1040): GSFLTHRSLS[Gly1030Glu]CPRATSAMKK